The following is an entry in ClinVar:

ClinVar aggregate classification (germline): Likely benign. Review status: criteria provided, multiple submitters, no conflicts (2 of 4 stars). 2 submissions from 2 submitters: Likely benign (2). Last evaluated 2024-02-12.

Conditions:
Brain small vessel disease 2A, autosomal dominant. Also called: Porencephaly 2. Identifiers: Orphanet 2940, Orphanet 99810, MedGen C3280970, MONDO:0013773, OMIM 614483.

Allele frequency attached by ClinVar (database versions not stated): gnomAD exomes 0.00001 and 0.00002; TOPMed 0.00001; ExAC 0.00002; gnomAD 0.00002.
gnomAD v4.1: 13 of 1,613,700 alleles (0.00081%); highest among the groups gnomAD compares: Non-Finnish European, 0.00017%; no homozygotes.

Submissions (2):

Labcorp Genetics (formerly Invitae), Labcorp
Classification: Likely benign. Last evaluated: 2024-02-12. Review status: criteria provided, single submitter. Criteria: Invitae Variant Classification Sherloc (09022015). Collection method: clinical testing. Allele origin: germline.

Illumina Laboratory Services, Illumina
Classification: Likely benign for Brain small vessel disease 2A, autosomal dominant. Last evaluated: 2018-01-13. Review status: criteria provided, single submitter. Criteria: ICSL Variant Classification Criteria 13 December 2019. Collection method: clinical testing. Allele origin: germline.
Comment: This variant was observed in the ICSL laboratory as part of a predisposition screen in an ostensibly healthy population. It had not been previously curated by ICSL or reported in the Human Gene Mutation Database (HGMD: prior to June 1st, 2018), and was therefore a candidate for classification through an automated scoring system. Utilizing variant allele frequency, disease prevalence and penetrance estimates, and inheritance mode, an automated score was calculated to assess if this variant is too frequent to cause the disease. Based on the score and internal cut-off values, a variant classified as likely benign is not then subjected to further curation. The score for this variant resulted in a classification of likely benign for this disease.

NM_001846.4(COL4A2):c.2095+14G>A

Gene: COL4A2 (collagen type IV alpha 2 chain; plus strand). Cytogenetic location: 13q34.
Variant type: single nucleotide variant.
Coding change: c.2095+14G>A on transcript NM_001846.4 (MANE Select); 14 bases into the intron after coding-DNA position 2095, G replaced by A.
Molecular consequence: intron variant.
Genome position (GRCh38, 1-based): chr13:110,467,110, G>A. VCF-style: chr13-110467110-G-A. GRCh37 (hg19) VCF-style: chr13-111119457-G-A.
Identifiers: ClinVar variation 881191 (VCV000881191.11), dbSNP rs768710957, ClinGen allele CA7049822.